The following is an entry in ClinVar:

NM_015107.3(PHF8):c.2837C>T (p.Ser946Leu)

Gene: PHF8 (PHD finger protein 8; minus strand). Cytogenetic location: Xp11.22.
Variant type: single nucleotide variant.
Coding change: c.2837C>T on transcript NM_015107.3 (MANE Select); coding-DNA position 2837, C replaced by T.
Protein change: p.Ser946Leu; replaces serine 946 with leucine.
Molecular consequence: missense variant.
Genome position (GRCh38, 1-based): chrX:53,940,329, G>A on the plus strand (C>T on the coding strand, the complement: PHF8 is on the minus strand). VCF-style: chrX-53940329-G-A. GRCh37 (hg19) VCF-style: chrX-53966762-G-A.
Other names: c.2945C>T, p.Ser982Leu (NM_001184896.1); c.2534C>T, p.Ser845Leu (NM_001184897.2); short protein forms S845L, S982L, S946L.
Identifiers: ClinVar variation 2136074 (VCV002136074.1), dbSNP rs1157813317, ClinGen allele CA413240934.

ClinVar aggregate classification (germline): Uncertain significance (1 of 4 stars; one submission).

Allele frequency attached by ClinVar (database versions not stated): TOPMed below 0.00001; gnomAD 0.00001; gnomAD exomes 0.00001.
gnomAD v4.1: 7 of 1,208,086 alleles (0.00058%); highest among the groups gnomAD compares: Non-Finnish European, 0.00078%; no homozygotes.

Submission:

GeneDx
Classification: Uncertain significance. Last evaluated: 2022-07-21. Review status: criteria provided, single submitter. Criteria: GeneDx Variant Classification Process June 2021. Collection method: clinical testing. Allele origin: germline. Affected: yes.
Comment: Not observed at significant frequency in large population cohorts (gnomAD); In silico analysis supports that this missense variant does not alter protein structure/function; Has not been previously published as pathogenic or benign to our knowledge